The following is an entry in ClinVar:

ClinVar aggregate classification (germline): Benign. Review status: reviewed by expert panel (3 of 4 stars). 53 submissions from 51 submitters: Benign (1). 52 of the submissions do not count toward it. Last evaluated 2024-06-11.

Conditions:
BRCA2-related cancer predisposition. Identifiers: MedGen CN377758, MONDO:0700269.
Breast and/or ovarian cancer. Identifiers: MedGen CN221562.
Hereditary cancer-predisposing syndrome. Also called: Neoplastic Syndromes, Hereditary; Hereditary neoplastic syndrome; Hereditary Cancer Syndrome; Tumor predisposition. Identifiers: Orphanet 140162, MedGen C0027672, MeSH D009386, MONDO:0015356.
Hereditary breast ovarian cancer syndrome. Also called: Hereditary breast and ovarian cancer syndrome (HBOC); Breast and ovarian cancer; BRCA1- and BRCA2-Associated Hereditary Breast and Ovarian Cancer; Hereditary breast and ovarian cancer syndrome; Hereditary breast and ovarian cancer; Hereditary breast and/or ovarian cancer syndrome. Identifiers: Orphanet 145, MedGen C0677776, MeSH D061325, MONDO:0003582. Disease mechanism: loss of function.
Fanconi anemia complementation group D1. Also called: BRCA2-Related Fanconi Anemia. Identifiers: Orphanet 319462, MedGen C1838457, MONDO:0011584, OMIM 605724.
Breast-ovarian cancer, familial, susceptibility to, 2 (BROVCA2). Also called: BRCA2 Hereditary Breast and Ovarian Cancer. Identifiers: Orphanet 145, MedGen C2675520, MONDO:0012933, OMIM 612555. Disease mechanism: loss of function.
Malignant tumor of breast. Also called: Malignant breast neoplasm; Cancer breast. Identifiers: MedGen C0006142, MONDO:0007254. Disease mechanism: loss of function.
Familial cancer of breast. Also called: Hereditary breast cancer; hereditary breast carcinoma; BREAST CANCER, FAMILIAL. Identifiers: Orphanet 227535, MedGen C0346153, MONDO:0016419, OMIM 114480. Disease mechanism: loss of function.

Allele frequency attached by ClinVar (database versions not stated): gnomAD 0.00597 and 0.00582; ESP Exome Variant Server 0.00646; gnomAD exomes 0.00660 and 0.00815; 1000 Genomes Project 30x 0.00390; 1000 Genomes Project 0.00439; TOPMed 0.00539; ExAC 0.00702.
gnomAD v4.1: 12,777 of 1,614,156 alleles (0.79%); highest among the groups gnomAD compares: Non-Finnish European, 0.9%; 72 homozygotes.

Submissions 1 to 18 of 53:

ClinGen ENIGMA BRCA1 and BRCA2 Variant Curation Expert Panel, ClinGen
Classification: Benign for BRCA2-related cancer predisposition. Last evaluated: 2024-06-11. Review status: reviewed by expert panel. Criteria: CSpec BRCA1/2ACMG Rules Specifications V1.0. Collection method: curation. Allele origin: germline. Inheritance: Autosomal dominant inheritance.
Comment: The c.9976A>T variant in BRCA2 is predicted to cause a change in the length of the protein due to the insertion of a terminating codon instead of the usual Lysine at amino acid 3326 (p.Lys3326Ter). The highest non-cancer, non-founder population filter allele frequency in gnomAD v2.1 (exomes only, non-cancer subset, read depth >=20) or gnomAD v3.1 (non-cancer subset, read depth >=20) is 0.00813 in the European (non-Finnish) population, which is above the ENIGMA BRCA1/2 VCEP threshold (>0.001) for BA1 (BA1 met). Nonsense variant predicted to cause a premature stop codon that is predicted to escape nonsense mediated decay, and lead to truncation of a region with unknown protein function (sequence up to BRCA2:p.Glu3309 is maintained) (PVS1 not met). Reported by one calibrated study to exhibit protein function similar to benign control variants (PMID: 29988080) (BS3 met). Multifactorial likelihood ratio analysis using clinically calibrated data produced a combined LR for this variant of 3.09E-263 (based on Cosegregation LR=0.001; Pathology LR=1.864E-35; Co-occurrence LR=0.0001; Case-Control LR=1.66E-221), below the threshold for Very strong benign evidence (LR <0.00285) (BP5_Very strong met; PMID: 18451181, Internal lab contributor). In summary, this variant meets the criteria to be classified as a Benign variant for BRCA2-related cancer predisposition based on the ACMG/AMP criteria applied as specified by the ENIGMA BRCA1/2 VCEP (BA1, BS3, BP5_Very strong).

CeGaT Center for Human Genetics Tuebingen
Classification: Likely benign. Last evaluated: 2026-09-01. Review status: criteria provided, single submitter. Criteria: CeGaT Center For Human Genetics Tuebingen Variant Classification Criteria Version 2. Collection method: clinical testing. Allele origin: germline. Affected: yes. Observed: 100 variant alleles. Not counted in ClinVar's aggregate classification.
Comment: BRCA2: BS2

Labcorp Genetics (formerly Invitae), Labcorp
Classification: Benign for Hereditary breast ovarian cancer syndrome. Last evaluated: 2026-02-04. Review status: criteria provided, single submitter. Criteria: Invitae Variant Classification Sherloc (09022015). Collection method: clinical testing. Allele origin: germline. Not counted in ClinVar's aggregate classification.

Genomic Medicine Center of Excellence, King Faisal Specialist Hospital and Research Centre
Classification: Likely benign. Last evaluated: 2025-08-18. Review status: criteria provided, single submitter. Criteria: ACMG Guidelines, 2015. Collection method: clinical testing. Allele origin: germline. Not counted in ClinVar's aggregate classification.

ARUP Laboratories, Molecular Genetics and Genomics, ARUP Laboratories
Classification: Benign. Last evaluated: 2025-07-14. Review status: criteria provided, single submitter. Criteria: ARUP Molecular Germline Variant Investigation Process 2024. Collection method: clinical testing. Allele origin: germline. Not counted in ClinVar's aggregate classification.

Laboratorio de I+D, Fundación Centro Médico de Asturias
Classification: Likely benign for Hereditary cancer-predisposing syndrome. Last evaluated: 2025-07-09. Review status: criteria provided, single submitter. Criteria: ACMG Guidelines, 2015. Collection method: clinical testing. Allele origin: germline. Not counted in ClinVar's aggregate classification.
Comment: BS1+BS2+PVS1_Moderate

Center for Genomic Medicine, Rigshospitalet, Copenhagen University Hospital
Classification: Benign. Last evaluated: 2025-03-04. Review status: criteria provided, single submitter. Criteria: ACMG Guidelines, 2015. Collection method: clinical testing. Allele origin: germline. Not counted in ClinVar's aggregate classification.

KCCC/NGS Laboratory, Kuwait Cancer Control Center
Classification: Benign for Familial cancer of breast. Last evaluated: 2025-02-01. Review status: criteria provided, single submitter. Criteria: ACMG Guidelines, 2015. Collection method: clinical testing. Allele origin: germline. Affected: no. Not counted in ClinVar's aggregate classification.

Blueprint Genetics
Classification: Benign. Last evaluated: 2024-11-27. Review status: criteria provided, single submitter. Criteria: ACMG Guidelines, 2015. Collection method: clinical testing. Allele origin: germline. Not counted in ClinVar's aggregate classification.

KCCC/NGS Laboratory, Kuwait Cancer Control Center
Classification: Benign for Breast-ovarian cancer, familial, susceptibility to, 2. Last evaluated: 2023-07-07. Review status: criteria provided, single submitter. Criteria: ACMG Guidelines, 2015. Collection method: clinical testing. Allele origin: germline. Affected: yes. Not counted in ClinVar's aggregate classification.

Genetics and Molecular Pathology, SA Pathology
Classification: Benign for Breast-ovarian cancer, familial, susceptibility to, 2. Last evaluated: 2022-06-02. Review status: criteria provided, single submitter. Criteria: ACMG Guidelines, 2015. Collection method: clinical testing. Allele origin: germline. Affected: yes. Not counted in ClinVar's aggregate classification.
Comment: The BRCA2 c.9976A>T variant is classified as Benign (BS2)

Institute for Clinical Genetics, University Hospital TU Dresden, University Hospital TU Dresden
Classification: Benign. Last evaluated: 2021-11-03. Review status: criteria provided, single submitter. Criteria: ACMG Guidelines, 2015. Collection method: clinical testing. Allele origin: germline. Not counted in ClinVar's aggregate classification.

Genetics Program, Instituto Nacional de Cancer
Classification: Benign for Hereditary breast ovarian cancer syndrome. Last evaluated: 2021-11-01. Review status: criteria provided, single submitter. Criteria: ACMG Guidelines, 2015. Collection method: research. Allele origin: germline. Affected: yes. Not counted in ClinVar's aggregate classification.

Institute of Human Genetics, University of Leipzig Medical Center
Classification: Benign for Breast-ovarian cancer, familial, susceptibility to, 2. Last evaluated: 2021-10-06. Review status: criteria provided, single submitter. Criteria: ACMG Guidelines, 2015. Collection method: clinical testing. Allele origin: germline. Affected: no. Not counted in ClinVar's aggregate classification.

Quest Diagnostics Nichols Institute San Juan Capistrano
Classification: Benign. Last evaluated: 2020-05-11. Review status: criteria provided, single submitter. Criteria: Quest Diagnostics criteria. Collection method: clinical testing. Allele origin: unknown. Not counted in ClinVar's aggregate classification.

Mendelics
Classification: Benign for Breast-ovarian cancer, familial, susceptibility to, 2. Last evaluated: 2019-05-28. Review status: criteria provided, single submitter. Criteria: Mendelics Assertion Criteria 2017. Collection method: clinical testing. Allele origin: unknown. Not counted in ClinVar's aggregate classification.

Illumina Laboratory Services, Illumina
Classification: Likely benign for Breast-ovarian cancer, familial, susceptibility to, 2. Last evaluated: 2018-03-06. Review status: criteria provided, single submitter. Criteria: ICSL Variant Classification Criteria 13 December 2019. Collection method: clinical testing. Allele origin: germline. Not counted in ClinVar's aggregate classification.
Comment: This variant was observed in the ICSL laboratory as part of a predisposition screen in an ostensibly healthy population. It had not been previously curated by ICSL or reported in the Human Gene Mutation Database (HGMD: prior to June 1st, 2018), and was therefore a candidate for classification through an automated scoring system. Utilizing variant allele frequency, disease prevalence and penetrance estimates, and inheritance mode, an automated score was calculated to assess if this variant is too frequent to cause the disease. Based on the score and internal cut-off values, a variant classified as likely benign is not then subjected to further curation. The score for this variant resulted in a classification of likely benign for this disease.

Illumina Laboratory Services, Illumina
Classification: Likely benign for Fanconi anemia complementation group D1. Last evaluated: 2018-03-06. Review status: criteria provided, single submitter. Criteria: ICSL Variant Classification Criteria 13 December 2019. Collection method: clinical testing. Allele origin: germline. Not counted in ClinVar's aggregate classification.
Comment: the same text as in the submission from Illumina Laboratory Services, Illumina above.

NM_000059.4(BRCA2):c.9976A>T (p.Lys3326Ter)

Gene: BRCA2 (BRCA2 DNA repair associated; plus strand). Cytogenetic location: 13q13.1.
Variant type: single nucleotide variant.
Coding change: c.9976A>T on transcript NM_000059.4 (MANE Select); coding-DNA position 9976, A replaced by T.
Protein change: p.Lys3326Ter; replaces lysine 3326 with a stop codon.
Molecular consequence: nonsense.
Genome position (GRCh38, 1-based): chr13:32,398,489, A>T. VCF-style: chr13-32398489-A-T. GRCh37 (hg19) VCF-style: chr13-32972626-A-T.
Other names: NP_000050.3:p.Lys3326Ter; NM_000059.4(BRCA2):c.9976A>T; 10204A>T; short protein forms K3326*.
Identifiers: ClinVar variation 38266 (VCV000038266.143), dbSNP rs11571833, ClinGen allele CA026350.